The following is an entry in ClinVar:

ClinVar aggregate classification (germline): Uncertain significance. Review status: criteria provided, multiple submitters, no conflicts (2 of 4 stars). 2 submissions from 2 submitters: Uncertain significance (2). Last evaluated 2025-07-02.

Conditions:
Norman-Roberts syndrome (LIS2). Also called: Lissencephaly 2 (Norman-Roberts type). Identifiers: Orphanet 89844, MedGen C0796089, MONDO:0009760, OMIM 257320.
Familial temporal lobe epilepsy 7. Identifiers: Orphanet 101046, MedGen C4225327, MONDO:0014639, OMIM 616436.

Allele frequency attached by ClinVar (database versions not stated): gnomAD exomes below 0.00001; gnomAD 0.00001; TOPMed 0.00002.
gnomAD v4.1: 4 of 1,612,286 alleles (0.00025%); highest among the groups gnomAD compares: East Asian, 0.0067%; no homozygotes.

Submissions (2):

Labcorp Genetics (formerly Invitae), Labcorp
Classification: Uncertain significance for Familial temporal lobe epilepsy 7; Norman-Roberts syndrome. Last evaluated: 2025-07-02. Review status: criteria provided, single submitter. Criteria: Invitae Variant Classification Sherloc (09022015). Collection method: clinical testing. Allele origin: germline.
Comment: This sequence change falls in intron 25 of the RELN gene. It does not directly change the encoded amino acid sequence of the RELN protein. This variant is present in population databases (no rsID available, gnomAD 0.005%). This variant has not been reported in the literature in individuals affected with RELN-related conditions. ClinVar contains an entry for this variant (Variation ID: 1479482). Algorithms developed to predict the effect of sequence changes on RNA splicing suggest that this variant may disrupt the consensus splice site. In summary, the available evidence is currently insufficient to determine the role of this variant in disease. Therefore, it has been classified as a Variant of Uncertain Significance.

Juno Genomics, Hangzhou Juno Genomics, Inc
Classification: Uncertain significance for Familial temporal lobe epilepsy 7; Norman-Roberts syndrome. Review status: criteria provided, single submitter. Criteria: ACMG Guidelines, 2015. Collection method: clinical testing. Allele origin: germline.
Comment: Absent from controls (or at extremely low frequency if recessive) in Genome Aggregation Database.;Multiple lines of computational evidence support a deleterious effect on the gene or gene product.

NM_005045.4(RELN):c.3540-20A>G

Gene: RELN (reelin; minus strand). Cytogenetic location: 7q22.1.
Variant type: single nucleotide variant.
Coding change: c.3540-20A>G on transcript NM_005045.4 (MANE Select); 20 bases into the intron before coding-DNA position 3540, A replaced by G.
Molecular consequence: intron variant.
Genome position (GRCh38, 1-based): chr7:103,594,512, T>C on the plus strand (A>G on the coding strand, the complement: RELN is on the minus strand). VCF-style: chr7-103594512-T-C. GRCh37 (hg19) VCF-style: chr7-103234959-T-C.
Other names: c.3540-20A>G (NM_173054.3).
Identifiers: ClinVar variation 1479482 (VCV001479482.8), dbSNP rs1390416603, ClinGen allele CA577197092.
Genomic context (GRCh38, chr7:103,594,512, plus strand): 5'-AAGGGGTCTTGGCAGCAGCTGGAAGCTCCAGATAGACAAATCTGAATAAAAGTAAATCAT[T>C]TACGGTTGGGAAAACAAAAGCTGTGCTTTTTTTTTTTCAGCTATTAAAACAACAAGGGTA-3'